The following is an entry in ClinVar:

NC_000003.12:g.(?_169764600)_(169765159_?)dup

Gene: TERC (telomerase RNA component; minus strand). Cytogenetic location: 3q26.2.
Variant type: Duplication.
Identifiers: ClinVar variation 832526 (VCV000832526.2).

ClinVar aggregate classification (germline): Uncertain significance (1 of 4 stars; one submission).

Conditions:
Dyskeratosis congenita, autosomal dominant 1 (DKCA1). Also called: Dyskeratosis congenita Scoggins type. Identifiers: Orphanet 1775, MedGen C4551974, MONDO:0007485, OMIM 127550. Inheritance: Variable.

Submission:

Labcorp Genetics (formerly Invitae), Labcorp
Classification: Uncertain significance for Autosomal dominant dyskeratosis congenita. Last evaluated: 2019-07-23. Review status: criteria provided, single submitter. Criteria: Invitae Variant Classification Sherloc (09022015). Collection method: clinical testing. Allele origin: germline.
Comment: This variant results in a copy number gain of the genomic region encompassing the full coding sequence of the TERC gene. The boundaries of this event are unknown as they extend beyond the assayed region for this gene and therefore may encompass additional genes. As the precise location of this event is unknown, it may be in tandem or it may be located elsewhere in the genome. This variant has not been reported in the literature in individuals with TERC-related conditions. In summary, the available evidence is currently insufficient to determine the role of this variant in disease. Therefore, it has been classified as a Variant of Uncertain Significance.